The following is an entry in ClinVar:

ClinVar aggregate classification (germline): Uncertain significance (1 of 4 stars; one submission).

Submission:

GeneDx
Classification: Uncertain significance. Last evaluated: 2026-03-10. Review status: criteria provided, single submitter. Criteria: GeneDx Variant Classification Process June 2021. Collection method: clinical testing. Allele origin: germline.
Comment: Not observed at significant frequency in large population cohorts (gnomAD); In silico analysis suggests that this missense variant does not alter protein structure/function; Has not been previously published as pathogenic or benign to our knowledge

NM_001374353.1(GLI2):c.2120C>G (p.Thr707Ser)

Gene: GLI2 (GLI family zinc finger 2; plus strand). Cytogenetic location: 2q14.2.
Variant type: single nucleotide variant.
Coding change: c.2120C>G on transcript NM_001374353.1 (MANE Select); coding-DNA position 2120, C replaced by G.
Protein change: p.Thr707Ser; replaces threonine 707 with serine.
Molecular consequence: missense variant.
Genome position (GRCh38, 1-based): chr2:120,986,492, C>G. VCF-style: chr2-120986492-C-G. GRCh37 (hg19) VCF-style: chr2-121744068-C-G.
Other names: c.2171C>G, p.Thr724Ser (NM_001371271.1, NM_005270.5); c.1745C>G, p.Thr582Ser (NM_001374354.1); short protein forms T582S, T724S, T707S.
Identifiers: ClinVar variation 5008920 (VCV005008920.1).
Genomic context (GRCh38, chr2:120,986,492, plus strand): 5'-CCGACACCTCAGCCCTGGCTGCCCCCTCCGCTGGTGGCCTCCAGCTGCGCAAACACATGA[C>G]CACCATGCACCGGTTCGAGCAGCTCAAGAAGGAGAAGCTCAAGTCACTCAAGGATTCCTG-3'
Protein context (NP_001361282.1, residues 697-717): AGGLQLRKHM[Thr707Ser]TMHRFEQLKK